The following is an entry in ClinVar:

ClinVar aggregate classification (germline): Conflicting classifications of pathogenicity. Review status: criteria provided, conflicting classifications (1 of 4 stars). 6 submissions from 6 submitters: Uncertain significance (5); Likely benign (1). Last evaluated 2026-04-27.

Conditions:
TTN-related disorder. Also called: TTN-related condition; TTN-related disease; TTN-related disorders.
Autosomal recessive limb-girdle muscular dystrophy type 2J (LGMDR10). Also called: Limb-girdle muscular dystrophy, type 2J; MUSCULAR DYSTROPHY, LIMB-GIRDLE, AUTOSOMAL RECESSIVE 10. Identifiers: Orphanet 140922, MedGen C1837342, MONDO:0012127, OMIM 608807.
Dilated cardiomyopathy 1G (CMD1G). Identifiers: Orphanet 154, MedGen C1858763, MONDO:0011400, OMIM 604145.
Hypertrophic cardiomyopathy 9. Also called: Familial hypertrophic cardiomyopathy 9. Identifiers: MedGen C1861065, MONDO:0013412, OMIM 613765.
Myopathy, myofibrillar, 9, with early respiratory failure (MFM9). Also called: Hereditary myopathy with early respiratory failure; MYOPATHY, PROXIMAL, WITH EARLY RESPIRATORY MUSCLE INVOLVEMENT; EDSTROM MYOPATHY; Myopathy, distal, with early respiratory failure, autosomal dominant. Identifiers: Orphanet 178464, Orphanet 34521, MedGen C1863599, MONDO:0011362, OMIM 603689.
Tibial muscular dystrophy (TMD). Also called: Udd Distal Myopathy – Tibial Muscular Dystrophy; UDD MYOPATHY; Tibial muscular dystrophy, tardive. Identifiers: Orphanet 609, MedGen C1838244, MONDO:0010870, OMIM 600334.
Early-onset myopathy with fatal cardiomyopathy (CMYO5). Also called: Salih Myopathy; CONGENITAL MYOPATHY 5 WITH CARDIOMYOPATHY. Identifiers: Orphanet 289377, MedGen C2673677, MONDO:0012714, OMIM 611705. Disease mechanism: loss of function.

Allele frequency attached by ClinVar (database versions not stated): gnomAD exomes 0.00004 and 0.00007; ExAC 0.00005; gnomAD 0.00011 and 0.00012; TOPMed 0.00016; ESP Exome Variant Server 0.00034.
gnomAD v4.1: 112 of 1,606,618 alleles (0.007%); highest among the groups gnomAD compares: African/African-American, 0.032%; no homozygotes.

Submissions (6):

Women's Health and Genetics/Laboratory Corporation of America, LabCorp
Classification: Uncertain significance. Last evaluated: 2026-04-27. Review status: criteria provided, single submitter. Criteria: LabCorp Variant Classification Summary - May 2015. Collection method: clinical testing. Allele origin: germline.
Comment: Variant summary: TTN c.20194G>A (p.Val6732Ile) results in a conservative amino acid change located in the I-band region of the encoded protein sequence. Algorithms developed to predict the effect of missense changes on protein structure and function are either unavailable or do not agree on the potential impact of this missense change. The variant allele was found at a frequency of 0.00011 in 150916 control chromosomes, predominantly at a frequency of 0.00034 within the African or African-American subpopulation in the gnomAD database (v3.1 dataset). This frequency is not significantly higher than estimated for disease-causing variants in TTN, allowing no conclusion about variant significance. To our knowledge, no occurrence of c.20194G>A in individuals affected with TTN-related conditions and no experimental evidence demonstrating its impact on protein function have been reported. ClinVar contains an entry for this variant (Variation ID: 466926). Based on the evidence outlined above, the variant was classified as uncertain significance.

PreventionGenetics, part of Exact Sciences
Classification: Uncertain significance for TTN-related condition. Last evaluated: 2026-01-08. Review status: criteria provided, single submitter. Criteria: ACMG Guidelines, 2015. Collection method: clinical testing. Allele origin: germline.
Comment: The TTN c.23926G>A variant is predicted to result in the amino acid substitution p.Val7976Ile. To our knowledge, this variant has not been reported in the literature. This variant is reported in 0.025% of alleles in individuals of African descent in gnomAD. At this time, the clinical significance of this variant is uncertain due to the absence of conclusive functional and genetic evidence.

Revvity Omics, Revvity
Classification: Uncertain significance. Last evaluated: 2023-07-19. Review status: criteria provided, single submitter. Criteria: ACMG Guidelines, 2015. Collection method: clinical testing. Allele origin: germline.

GeneDx
Classification: Likely benign. Last evaluated: 2019-08-01. Review status: criteria provided, single submitter. Criteria: GeneDx Variant Classification Process June 2021. Collection method: clinical testing. Allele origin: germline. Affected: yes.

Fulgent Genetics
Classification: Uncertain significance for Tibial muscular dystrophy; Myopathy, myofibrillar, 9, with early respiratory failure; Dilated cardiomyopathy 1G; Autosomal recessive limb-girdle muscular dystrophy type 2J; Early-onset myopathy with fatal cardiomyopathy; Hypertrophic cardiomyopathy 9. Last evaluated: 2018-10-31. Review status: criteria provided, single submitter. Criteria: ACMG Guidelines, 2015. Collection method: clinical testing. Allele origin: unknown.

Labcorp Genetics (formerly Invitae), Labcorp
Classification: Uncertain significance for Dilated cardiomyopathy 1G; Autosomal recessive limb-girdle muscular dystrophy type 2J. Last evaluated: 2017-11-04. Review status: criteria provided, single submitter. Criteria: Invitae Variant Classification Sherloc (09022015). Collection method: clinical testing. Allele origin: germline.

NM_001267550.2(TTN):c.23926G>A (p.Val7976Ile)

Gene: TTN (titin; minus strand). Cytogenetic location: 2q31.2.
Variant type: single nucleotide variant.
Coding change: c.23926G>A on transcript NM_001267550.2 (MANE Select); coding-DNA position 23926, G replaced by A.
Protein change: p.Val7976Ile; replaces valine 7976 with isoleucine.
Molecular consequence: missense variant. On other transcripts: intron variant (3).
Genome position (GRCh38, 1-based): chr2:178,719,566, C>T on the plus strand (G>A on the coding strand, the complement: TTN is on the minus strand). VCF-style: chr2-178719566-C-T. GRCh37 (hg19) VCF-style: chr2-179584293-C-T.
Other names: c.22975G>A, p.Val7659Ile (NM_001256850.1); c.20194G>A, p.Val6732Ile (NM_133378.4); c.13282+18516G>A (NM_003319.4); c.13858+18516G>A (NM_133437.4); c.13657+18516G>A (NM_133432.3); short protein forms V7976I, V7659I, V6732I.
Identifiers: ClinVar variation 466926 (VCV000466926.10), dbSNP rs200395305, ClinGen allele CA2000545.